The following is an entry in ClinVar:

NM_032119.4(ADGRV1):c.1837C>A (p.Gln613Lys)

Gene: ADGRV1 (adhesion G protein-coupled receptor V1; plus strand). Cytogenetic location: 5q14.3.
Variant type: single nucleotide variant.
Coding change: c.1837C>A on transcript NM_032119.4 (MANE Select); coding-DNA position 1837, C replaced by A.
Protein change: p.Gln613Lys; replaces glutamine 613 with lysine.
Molecular consequence: missense variant. On other transcripts: non-coding transcript variant (1).
Genome position (GRCh38, 1-based): chr5:90,629,537, C>A. VCF-style: chr5-90629537-C-A. GRCh37 (hg19) VCF-style: chr5-89925354-C-A.
Other names: short protein forms Q613K.
Identifiers: ClinVar variation 163564 (VCV000163564.39), dbSNP rs199587998, ClinGen allele CA176188.

ClinVar aggregate classification (germline): Conflicting classifications of pathogenicity. Review status: criteria provided, conflicting classifications (1 of 4 stars). 13 submissions from 13 submitters: Uncertain significance (5); Likely benign (4). 4 of the submissions do not count toward it. Last evaluated 2026-02-04.

Conditions:
ADGRV1-related disorder. Also called: ADGRV1-related disorders; ADGRV1-related condition.
Usher syndrome type 2. Also called: Usher Syndrome Type II. Identifiers: Orphanet 231178, MedGen C0339534, MONDO:0016484.
Retinitis pigmentosa (RP). Identifiers: Orphanet 791, MedGen C0035334, MeSH D012174, MONDO:0019200, OMIM 268000. Inheritance: Autosomal dominant, autosomal recessive and X linked inheritance.
Usher syndrome type 2C. Also called: Usher syndrome, type 2B; USHER SYNDROME, TYPE IIC. Identifiers: Orphanet 231178, Orphanet 886, MedGen C2931213, MONDO:0011558, OMIM 605472.

Allele frequency attached by ClinVar (database versions not stated): gnomAD 0.00054 and 0.00059; TOPMed 0.00059; gnomAD exomes 0.00083; ExAC 0.00106; ESP Exome Variant Server 0.00169.
gnomAD v4.1: 1,593 of 1,598,244 alleles (0.1%); highest among the groups gnomAD compares: Non-Finnish European, 0.13%; 1 homozygote.

Submissions (13):

Labcorp Genetics (formerly Invitae), Labcorp
Classification: Likely benign. Last evaluated: 2026-02-04. Review status: criteria provided, single submitter. Criteria: Invitae Variant Classification Sherloc (09022015). Collection method: clinical testing. Allele origin: germline.

Blueprint Genetics
Classification: Likely benign. Last evaluated: 2024-10-08. Review status: criteria provided, single submitter. Criteria: ACMG Guidelines, 2015. Collection method: clinical testing. Allele origin: germline.

Department of Pathology and Laboratory Medicine, Sinai Health System
Classification: Uncertain significance for Usher syndrome type 2. Last evaluated: 2021-07-30. Review status: criteria provided, single submitter. Criteria: ACMG Guidelines, 2015. Collection method: research. Allele origin: germline.

DBGen Ocular Genomics
Classification: Uncertain significance for Retinitis pigmentosa. Last evaluated: 2021-06-16. Review status: criteria provided, single submitter. Criteria: ACMG Guidelines, 2015. Collection method: clinical testing. Allele origin: germline. Affected: yes. Observed: 1 variant allele.

GeneDx
Classification: Likely benign. Last evaluated: 2020-12-14. Review status: criteria provided, single submitter. Criteria: GeneDx Variant Classification Process June 2021. Collection method: clinical testing. Allele origin: germline. Affected: yes.

ARUP Laboratories, Molecular Genetics and Genomics, ARUP Laboratories
Classification: Uncertain significance. Last evaluated: 2018-12-19. Review status: criteria provided, single submitter. Criteria: ARUP Molecular Germline Variant Investigation Process. Collection method: clinical testing. Allele origin: germline.
Comment: The ADGRV1 c.1837C>A; p.Gln613Lys variant (rs199587998), to our knowledge, is not reported in the medical literature but is reported in ClinVar (Variation ID: 163564). This variant is found in the non-Finnish European population with an overall allele frequency of 0.15% (191/123646 alleles) in the Genome Aggregation Database. The glutamine at codon 613 is moderately conserved, but computational analyses (SIFT, PolyPhen-2) predict that this variant is tolerated. Due to limited information, the clinical significance of the p.Gln613Lys variant is uncertain at this time.

Illumina Laboratory Services, Illumina
Classification: Uncertain significance for Usher syndrome type 2C. Last evaluated: 2018-01-13. Review status: criteria provided, single submitter. Criteria: ICSL Variant Classification Criteria 13 December 2019. Collection method: clinical testing. Allele origin: germline.

Laboratory for Molecular Medicine, Mass General Brigham Personalized Medicine
Classification: Likely benign. Last evaluated: 2016-01-07. Review status: criteria provided, single submitter. Criteria: LMM Criteria. Collection method: clinical testing. Allele origin: germline. Observed: 2 variant alleles.
Comment: p.Gln613Lys in exon 9 of GPR98: This variant is not expected to have clinical si gnificance due to a lack of conservation across species, including mammals. Of n ote, 7 mammals (cat, dog, panda, ferret, Pacific walrus, Weddell seal, and star- nosed mole) have a lysine (Lys) at this position despite high nearby amino acid conservation. In addition, computational prediction tools do not suggest a high likelihood of impact to the protein. It has also been identified in 0.2% (110/64 552) of European chromosomes by the Exome Aggregation Consortium (ExAC; dbSNP rs199587998).

Eurofins Ntd Llc (ga)
Classification: Uncertain significance. Last evaluated: 2015-08-28. Review status: criteria provided, single submitter. Criteria: EGL Classification Definitions 2015. Collection method: clinical testing. Allele origin: germline. Observed: 2 variant alleles, 2 heterozygotes.

PreventionGenetics, part of Exact Sciences
Classification: Likely benign for ADGRV1-related condition. Last evaluated: 2023-10-10. Review status: no assertion criteria provided. Collection method: clinical testing. Allele origin: germline. Not counted in ClinVar's aggregate classification.
Comment: This variant is classified as likely benign based on ACMG/AMP sequence variant interpretation guidelines (Richards et al. 2015 PMID: 25741868, with internal and published modifications).

Clinical Genetics DNA and cytogenetics Diagnostics Lab, Erasmus MC, Erasmus Medical Center
Classification: Likely benign. Review status: no assertion criteria provided. Collection method: clinical testing. Allele origin: germline. Affected: yes. Study: VKGL Data-share Consensus. Not counted in ClinVar's aggregate classification.

Clinical Genetics, Academic Medical Center
Classification: Likely benign. Review status: no assertion criteria provided. Collection method: clinical testing. Allele origin: germline. Affected: yes. Study: VKGL Data-share Consensus. Not counted in ClinVar's aggregate classification.

Genome Diagnostics Laboratory, University Medical Center Utrecht
Classification: Likely benign. Review status: no assertion criteria provided. Collection method: clinical testing. Allele origin: germline. Affected: yes. Study: VKGL Data-share Consensus. Not counted in ClinVar's aggregate classification.